The following is an entry in ClinVar:

ClinVar aggregate classification (germline): Uncertain significance (1 of 4 stars; one submission).

Conditions:
Alstrom syndrome (ALMS). Identifiers: Orphanet 64, MedGen C0268425, MONDO:0008763, OMIM 203800.

gnomAD v4.1: 1 of 1,614,112 alleles (0.000062%); no homozygotes.

Submission:

Labcorp Genetics (formerly Invitae), Labcorp
Classification: Uncertain significance for Alstrom syndrome. Last evaluated: 2022-04-29. Review status: criteria provided, single submitter. Criteria: Invitae Variant Classification Sherloc (09022015). Collection method: clinical testing. Allele origin: germline.
Comment: In summary, the available evidence is currently insufficient to determine the role of this variant in disease. Therefore, it has been classified as a Variant of Uncertain Significance. Experimental studies and prediction algorithms are not available or were not evaluated, and the functional significance of this variant is currently unknown. This variant has not been reported in the literature in individuals affected with ALMS1-related conditions. This variant is not present in population databases (gnomAD no frequency). This sequence change replaces isoleucine with methionine at codon 2032 of the ALMS1 protein (p.Ile2032Met). The isoleucine residue is moderately conserved and there is a small physicochemical difference between isoleucine and methionine.

NM_001378454.1(ALMS1):c.6093T>G (p.Ile2031Met)

Gene: ALMS1 (ALMS1 centrosome and basal body associated protein; plus strand). Cytogenetic location: 2p13.1.
Variant type: single nucleotide variant.
Coding change: c.6093T>G on transcript NM_001378454.1 (MANE Select); coding-DNA position 6093, T replaced by G.
Protein change: p.Ile2031Met; replaces isoleucine 2031 with methionine.
Molecular consequence: missense variant.
Genome position (GRCh38, 1-based): chr2:73,452,620, T>G. VCF-style: chr2-73452620-T-G. GRCh37 (hg19) VCF-style: chr2-73679747-T-G.
Other names: c.6096T>G, p.Ile2032Met (NM_015120.4); short protein forms I2031M, I2032M.
Identifiers: ClinVar variation 1490988 (VCV001490988.6), dbSNP rs2103788896, ClinGen allele CA347284835.